The following is an entry in ClinVar:

NM_012144.4(DNAI1):c.1407G>T (p.Lys469Asn)

Gene: DNAI1 (dynein axonemal intermediate chain 1; plus strand). Cytogenetic location: 9p13.3.
Variant type: single nucleotide variant.
Coding change: c.1407G>T on transcript NM_012144.4 (MANE Select); coding-DNA position 1407, G replaced by T.
Protein change: p.Lys469Asn; replaces lysine 469 with asparagine.
Molecular consequence: missense variant.
Genome position (GRCh38, 1-based): chr9:34,512,342, G>T. VCF-style: chr9-34512342-G-T. GRCh37 (hg19) VCF-style: chr9-34512340-G-T.
Other names: c.1407G>T (NM_012144.2); c.1419G>T, p.Lys473Asn (NM_001281428.2); short protein forms K469N, K473N.
Identifiers: ClinVar variation 914012 (VCV000914012.14), dbSNP rs189377425, ClinGen allele CA5034398.
Genomic context (GRCh38, chr9:34,512,342, plus strand): 5'-CATCTAGCCCAACCCACGTGCCCTCCCCCCCACATCCCTCTGTCTGTGGCTACAGAGAAA[G>T]CTGGTTCACATAGATGTCATCAAGCTGAAGGTGGAAGGCAGCACCACGGAAGTTCCTGAG-3'
Protein context (NP_036276.1, residues 459-479): RIVSWTLVKR[Lys469Asn]LVHIDVIKLK

ClinVar aggregate classification (germline): Uncertain significance. Review status: criteria provided, multiple submitters, no conflicts (2 of 4 stars). 4 submissions from 4 submitters: Uncertain significance (3). 1 of the submissions does not count toward it. Last evaluated 2024-11-19.

Conditions:
Primary ciliary dyskinesia. Also called: Ciliary dyskinesia. Identifiers: Orphanet 244, MedGen C0008780, MONDO:0016575, HP:0012265.
Kartagener syndrome (CILD1). Also called: CILIARY DYSKINESIA, PRIMARY, 1; SIEWERT SYNDROME; Dextrocardia bronchiectasis and sinusitis; CILIARY DYSKINESIA, PRIMARY, 1, WITH OR WITHOUT SITUS INVERSUS; IMMOTILE CILIA SYNDROME; POLYNESIAN BRONCHIECTASIS. Identifiers: Orphanet 244, MedGen C4551906, MONDO:0009484, OMIM 244400.

Allele frequency attached by ClinVar (database versions not stated): ExAC 0.00003; gnomAD exomes 0.00004 and 0.00011; TOPMed 0.00004; gnomAD 0.00005 and 0.00006.
gnomAD v4.1: 170 of 1,614,004 alleles (0.011%); highest among the groups gnomAD compares: Non-Finnish European, 0.014%; no homozygotes.

Submissions (4):

Labcorp Genetics (formerly Invitae), Labcorp
Classification: Uncertain significance for Primary ciliary dyskinesia. Last evaluated: 2024-11-19. Review status: criteria provided, single submitter. Criteria: Invitae Variant Classification Sherloc (09022015). Collection method: clinical testing. Allele origin: germline.
Comment: This sequence change replaces lysine, which is basic and polar, with asparagine, which is neutral and polar, at codon 469 of the DNAI1 protein (p.Lys469Asn). This variant is present in population databases (rs189377425, gnomAD 0.008%). This variant has not been reported in the literature in individuals affected with DNAI1-related conditions. ClinVar contains an entry for this variant (Variation ID: 914012). Invitae Evidence Modeling of protein sequence and biophysical properties (such as structural, functional, and spatial information, amino acid conservation, physicochemical variation, residue mobility, and thermodynamic stability) indicates that this missense variant is not expected to disrupt DNAI1 protein function with a negative predictive value of 80%. In summary, the available evidence is currently insufficient to determine the role of this variant in disease. Therefore, it has been classified as a Variant of Uncertain Significance.

Ambry Genetics
Classification: Uncertain significance for Primary ciliary dyskinesia. Last evaluated: 2023-12-08. Review status: criteria provided, single submitter. Criteria: Ambry Variant Classification Scheme 2023. Collection method: clinical testing. Allele origin: germline.

Illumina Laboratory Services, Illumina
Classification: Uncertain significance for Kartagener syndrome. Last evaluated: 2018-01-13. Review status: criteria provided, single submitter. Criteria: ICSL Variant Classification Criteria 13 December 2019. Collection method: clinical testing. Allele origin: germline.

Natera, Inc.
Classification: Uncertain significance for Primary ciliary dyskinesia. Last evaluated: 2020-04-13. Review status: no assertion criteria provided. Collection method: clinical testing. Allele origin: germline. Not counted in ClinVar's aggregate classification.